The following is an entry in ClinVar:

ClinVar aggregate classification (germline): Likely pathogenic (1 of 4 stars; one submission).

gnomAD v4.1: 3 of 1,594,896 alleles (0.00019%); highest among the groups gnomAD compares: Non-Finnish European, 0.00026%; no homozygotes.

Submissions (2):

Labcorp Genetics (formerly Invitae), Labcorp
Classification: Likely pathogenic. Last evaluated: 2024-04-19. Review status: criteria provided, single submitter. Criteria: Invitae Variant Classification Sherloc (09022015). Collection method: clinical testing. Allele origin: germline.
Comment: This sequence change affects a donor splice site in intron 5 of the KIAA0753 gene. It is expected to disrupt RNA splicing. Variants that disrupt the donor or acceptor splice site typically lead to a loss of protein function (PMID: 16199547), and loss-of-function variants in KIAA0753 are known to be pathogenic (PMID: 29138412). This variant is not present in population databases (gnomAD no frequency). This variant has not been reported in the literature in individuals affected with KIAA0753-related conditions. Algorithms developed to predict the effect of sequence changes on RNA splicing suggest that this variant may disrupt the consensus splice site. In summary, the currently available evidence indicates that the variant is pathogenic, but additional data are needed to prove that conclusively. Therefore, this variant has been classified as Likely Pathogenic.

Dr. Peter K. Rogan Lab, Western University
No classification provided (evidence only). Condition: Ovarian serous cystadenocarcinoma. Review status: no classification provided. Collection method: in vitro. Allele origin: not applicable. Functional consequence: retained intron. Not counted in ClinVar's aggregate classification.

Literature cited by the submitters: PubMed 16199547 (cited by Labcorp Genetics (formerly Invitae), Labcorp); PubMed 29138412 (cited by Labcorp Genetics (formerly Invitae), Labcorp).

NM_014804.3(KIAA0753):c.888+1G>T

Gene: KIAA0753 (KIAA0753; minus strand). Cytogenetic location: 17p13.1.
Variant type: single nucleotide variant.
Coding change: c.888+1G>T on transcript NM_014804.3 (MANE Select); the canonical splice donor site of the intron after coding-DNA position 888, G replaced by T.
Molecular consequence: splice donor variant. On other transcripts: intron variant (1).
Genome position (GRCh38, 1-based): chr17:6,623,508, C>A on the plus strand (G>T on the coding strand, the complement: KIAA0753 is on the minus strand). VCF-style: chr17-6623508-C-A. GRCh37 (hg19) VCF-style: chr17-6526828-C-A.
Other names: c.-10+99G>T (NM_001351225.2).
Identifiers: ClinVar variation 3622555 (VCV003622555.3).